The following is an entry in ClinVar:

NM_025179.4(PLXNA2):c.4437C>T (p.Gly1479=)

Gene: PLXNA2 (plexin A2; minus strand). Cytogenetic location: 1q32.2.
Variant type: single nucleotide variant.
Coding change: c.4437C>T on transcript NM_025179.4 (MANE Select); coding-DNA position 4437, C replaced by T.
Protein change: p.Gly1479=; no amino-acid change (glycine 1479 retained).
Molecular consequence: synonymous variant.
Genome position (GRCh38, 1-based): chr1:208,039,684, G>A on the plus strand (C>T on the coding strand, the complement: PLXNA2 is on the minus strand). VCF-style: chr1-208039684-G-A. GRCh37 (hg19) VCF-style: chr1-208213029-G-A.
Other names: c.4437C>T (NM_025179.3).
Identifiers: ClinVar variation 1628032 (VCV001628032.10), dbSNP rs188406573, ClinGen allele CA1372884.

ClinVar aggregate classification (germline): Benign. Review status: criteria provided, single submitter (1 of 4 stars). 2 submissions from 2 submitters: Benign (1). 1 of the submissions does not count toward it. Last evaluated 2025-10-04.

Conditions:
PLXNA2-related disorder. Also called: PLXNA2-related condition.

Allele frequency attached by ClinVar (database versions not stated): gnomAD 0.00016 and 0.00023; ExAC 0.00035; gnomAD exomes 0.00035; 1000 Genomes Project 30x 0.00094; 1000 Genomes Project 0.00120.
gnomAD v4.1: 394 of 1,614,164 alleles (0.024%); highest among the groups gnomAD compares: East Asian, 0.48%; 1 homozygote.

Submissions (2):

Labcorp Genetics (formerly Invitae), Labcorp
Classification: Benign. Last evaluated: 2025-10-04. Review status: criteria provided, single submitter. Criteria: Invitae Variant Classification Sherloc (09022015). Collection method: clinical testing. Allele origin: germline.

PreventionGenetics, part of Exact Sciences
Classification: Likely benign for PLXNA2-related condition. Last evaluated: 2022-05-26. Review status: no assertion criteria provided. Collection method: clinical testing. Allele origin: germline. Not counted in ClinVar's aggregate classification.
Comment: This variant is classified as likely benign based on ACMG/AMP sequence variant interpretation guidelines (Richards et al. 2015 PMID: 25741868, with internal and published modifications).